The following is an entry in ClinVar:

ClinVar aggregate classification (germline): Likely pathogenic (1 of 4 stars; one submission).

Conditions:
KCNH1-related disorder. Also called: KCNH1-related disorders; KCNH1-related condition.

gnomAD v4.1: 6 of 1,603,686 alleles (0.00037%); highest among the groups gnomAD compares: Non-Finnish European, 0.00043%; no homozygotes.

Submission:

Greenwood Genetic Center Diagnostic Laboratories, Greenwood Genetic Center
Classification: Likely pathogenic for KCNH1-related disorder. Last evaluated: 2023-01-20. Review status: criteria provided, single submitter. Criteria: ACMG Guidelines, 2015. Collection method: clinical testing. Allele origin: germline. Affected: yes.
Comment: PS2, PM2, PP2, PP3

NM_172362.3(KCNH1):c.210G>A (p.Met70Ile)

Gene: KCNH1 (potassium voltage-gated channel subfamily H member 1; minus strand). Cytogenetic location: 1q32.2.
Variant type: single nucleotide variant.
Coding change: c.210G>A on transcript NM_172362.3 (MANE Select); coding-DNA position 210, G replaced by A.
Protein change: p.Met70Ile; replaces methionine 70 with isoleucine.
Molecular consequence: missense variant.
Genome position (GRCh38, 1-based): chr1:211,103,596, C>T on the plus strand (G>A on the coding strand, the complement: KCNH1 is on the minus strand). VCF-style: chr1-211103596-C-T. GRCh37 (hg19) VCF-style: chr1-211276938-C-T.
Other names: c.210G>A, p.Met70Ile (NM_002238.4); short protein forms M70I.
Identifiers: ClinVar variation 2505231 (VCV002505231.1), dbSNP rs2526835712, ClinGen allele CA344874030.